The following is an entry in ClinVar:

NM_001165963.4(SCN1A):c.1865T>G (p.Leu622Arg)

Gene: SCN1A (sodium voltage-gated channel alpha subunit 1; minus strand). Cytogenetic location: 2q24.3.
Variant type: single nucleotide variant.
Coding change: c.1865T>G on transcript NM_001165963.4 (MANE Select); coding-DNA position 1865, T replaced by G.
Protein change: p.Leu622Arg; replaces leucine 622 with arginine.
Molecular consequence: missense variant. On other transcripts: 5 prime UTR variant (1), non-coding transcript variant (1).
Genome position (GRCh38, 1-based): chr2:166,043,847, A>C on the plus strand (T>G on the coding strand, the complement: SCN1A is on the minus strand). VCF-style: chr2-166043847-A-C. GRCh37 (hg19) VCF-style: chr2-166900357-A-C.
Other names: c.1865T>G, p.Leu622Arg (NM_001165964.3, NM_001202435.3, NM_001353948.2 and 7 more transcripts); c.1862T>G, p.Leu621Arg (NM_001353954.2, NM_001353955.2, NM_001353960.2); c.-561T>G (NM_001353961.2); short protein forms L621R, L622R.
Identifiers: ClinVar variation 2109421 (VCV002109421.4), dbSNP rs2468152542, ClinGen allele CA349067407.

ClinVar aggregate classification (germline): Uncertain significance (1 of 4 stars; one submission).

Conditions:
Early-infantile DEE. Also called: Early infantile epileptic encephalopathy; Early infantile epileptic encephalopathy with suppression bursts; Ohtahara syndrome. Identifiers: Orphanet 1934, MedGen C0393706, MONDO:0800491.

Submission:

Labcorp Genetics (formerly Invitae), Labcorp
Classification: Uncertain significance for Early-infantile DEE. Last evaluated: 2022-04-09. Review status: criteria provided, single submitter. Criteria: Invitae Variant Classification Sherloc (09022015). Collection method: clinical testing. Allele origin: germline.
Comment: In summary, the available evidence is currently insufficient to determine the role of this variant in disease. Therefore, it has been classified as a Variant of Uncertain Significance. Advanced modeling of protein sequence and biophysical properties (such as structural, functional, and spatial information, amino acid conservation, physicochemical variation, residue mobility, and thermodynamic stability) performed at Invitae indicates that this missense variant is not expected to disrupt SCN1A protein function. This variant has not been reported in the literature in individuals affected with SCN1A-related conditions. This variant is not present in population databases (gnomAD no frequency). This sequence change replaces leucine, which is neutral and non-polar, with arginine, which is basic and polar, at codon 622 of the SCN1A protein (p.Leu622Arg).